The following is an entry in ClinVar:

NM_005263.5(GFI1):c.418C>G (p.Arg140Gly)

Gene: GFI1 (growth factor independent 1 transcriptional repressor; minus strand). Cytogenetic location: 1p22.1.
Variant type: single nucleotide variant.
Coding change: c.418C>G on transcript NM_005263.5 (MANE Select); coding-DNA position 418, C replaced by G.
Protein change: p.Arg140Gly; replaces arginine 140 with glycine.
Molecular consequence: missense variant.
Genome position (GRCh38, 1-based): chr1:92,480,969, G>C on the plus strand (C>G on the coding strand, the complement: GFI1 is on the minus strand). VCF-style: chr1-92480969-G-C. GRCh37 (hg19) VCF-style: chr1-92946526-G-C.
Other names: c.418C>G, p.Arg140Gly (NM_001127215.3, NM_001127216.3); short protein forms R140G.
Identifiers: ClinVar variation 4671601 (VCV004671601.1).
Genomic context (GRCh38, chr1:92,480,969, plus strand): 5'-CCGGGGCGGGTTCGCAGAAGAGGCCCAGGCCAGCGCCACGCTCCAGGGCCCCACACGGTC[G>C]GTAGCTCTGCACCAGGTGCCGCAGGTCAGAACCCGCCAGGCCGCTCCATGAGTACGGTTT-3'
Protein context (NP_005254.2, residues 130-150): SDLRHLVQSY[Arg140Gly]PCGALERGAG

ClinVar aggregate classification (germline): Uncertain significance (1 of 4 stars; one submission).

Submission:

Ambry Genetics
Classification: Uncertain significance. Last evaluated: 2025-11-17. Review status: criteria provided, single submitter. Criteria: Ambry Variant Classification Scheme 2023. Collection method: clinical testing. Allele origin: germline.
Comment: The p.R140G variant (also known as c.418C>G), located in coding exon 3 of the GFI1 gene, results from a C to G substitution at nucleotide position 418. The arginine at codon 140 is replaced by glycine, an amino acid with dissimilar properties. This amino acid position is conserved. In addition, this alteration is predicted to be tolerated by in silico analysis. Based on the available evidence, the clinical significance of this variant remains unclear.